The following is an entry in ClinVar:

ClinVar aggregate classification (germline): Uncertain significance (1 of 4 stars; one submission).

Allele frequency attached by ClinVar (database versions not stated): gnomAD exomes below 0.00001.
gnomAD v4.1: 1 of 1,591,110 alleles (0.000063%); highest among the groups gnomAD compares: South Asian, 0.0011%; no homozygotes.

Submission:

CeGaT Center for Human Genetics Tuebingen
Classification: Uncertain significance. Last evaluated: 2023-07-01. Review status: criteria provided, single submitter. Criteria: CeGaT Center For Human Genetics Tuebingen Variant Classification Criteria Version 2. Collection method: clinical testing. Allele origin: germline. Affected: yes. Observed: 1 variant allele.
Comment: IARS2: PM2, BP4

NM_018060.4(IARS2):c.1641-3T>C

Gene: IARS2 (isoleucyl-tRNA synthetase 2, mitochondrial; plus strand). Cytogenetic location: 1q41.
Variant type: single nucleotide variant.
Coding change: c.1641-3T>C on transcript NM_018060.4 (MANE Select); 3 bases into the intron before coding-DNA position 1641, T replaced by C.
Molecular consequence: intron variant.
Genome position (GRCh38, 1-based): chr1:220,125,234, T>C. VCF-style: chr1-220125234-T-C. GRCh37 (hg19) VCF-style: chr1-220298576-T-C.
Identifiers: ClinVar variation 2578596 (VCV002578596.25), dbSNP rs2528548924, ClinGen allele CA2574135410.
Genomic context (GRCh38, chr1:220,125,234, plus strand): 5'-AAAATGTTTGTTATTCATCACAATAGTTAATTGAATAATTCTGCCATGTCCCCCCTGAAA[T>C]AGCCAAACCACTGAGCATATTGTTAAACTAGTGGAACAACACGGCAGTGATATCTGGTGG-3'